The following is an entry in ClinVar:

ClinVar aggregate classification (germline): Uncertain significance. Review status: criteria provided, multiple submitters, no conflicts (2 of 4 stars). 2 submissions from 2 submitters: Uncertain significance (2). Last evaluated 2025-04-03.

Conditions:
Severe combined immunodeficiency, autosomal recessive, T cell-negative, B cell-negative, NK cell-positive. Also called: SCID, T CELL-NEGATIVE, B CELL-NEGATIVE, NK CELL-POSITIVE; Severe combined immunodeficiency due to complete RAG1/2 deficiency; SCID, AR, T-cell negative, B-cell negative, NK cell-positive. Identifiers: Orphanet 331206, MedGen C1832322, MONDO:0011086, OMIM 601457.
Combined immunodeficiency with skin granulomas. Identifiers: Orphanet 157949, MedGen C2673536, MONDO:0009306, OMIM 233650.
Inborn genetic diseases. Identifiers: MedGen C0950123, MeSH D030342.

Allele frequency attached by ClinVar (database versions not stated): ExAC 0.00002; gnomAD 0.00002; gnomAD exomes 0.00002; TOPMed 0.00002.
gnomAD v4.1: 10 of 1,614,092 alleles (0.00062%); highest among the groups gnomAD compares: Admixed American, 0.0017%; no homozygotes.

Submissions (2):

Ambry Genetics
Classification: Uncertain significance for Inborn genetic diseases. Last evaluated: 2025-04-03. Review status: criteria provided, single submitter. Criteria: Ambry Variant Classification Scheme 2023. Collection method: clinical testing. Allele origin: germline.

Labcorp Genetics (formerly Invitae), Labcorp
Classification: Uncertain significance for Combined immunodeficiency with skin granulomas; Severe combined immunodeficiency, autosomal recessive, T cell-negative, B cell-negative, NK cell-positive. Last evaluated: 2021-08-26. Review status: criteria provided, single submitter. Criteria: Invitae Variant Classification Sherloc (09022015). Collection method: clinical testing. Allele origin: germline.
Comment: This sequence change replaces valine with phenylalanine at codon 65 of the RAG1 protein (p.Val65Phe). The valine residue is moderately conserved and there is a small physicochemical difference between valine and phenylalanine. This variant is present in population databases (rs750032999, ExAC 0.009%). This variant has not been reported in the literature in individuals affected with RAG1-related conditions. Algorithms developed to predict the effect of missense changes on protein structure and function (SIFT, PolyPhen-2, Align-GVGD) all suggest that this variant is likely to be tolerated. In summary, the available evidence is currently insufficient to determine the role of this variant in disease. Therefore, it has been classified as a Variant of Uncertain Significance.

NM_000448.3(RAG1):c.193G>T (p.Val65Phe)

Gene: RAG1 (recombination activating 1; plus strand). Cytogenetic location: 11p12.
Variant type: single nucleotide variant.
Coding change: c.193G>T on transcript NM_000448.3 (MANE Select); coding-DNA position 193, G replaced by T.
Protein change: p.Val65Phe; replaces valine 65 with phenylalanine.
Molecular consequence: missense variant.
Genome position (GRCh38, 1-based): chr11:36,573,497, G>T. VCF-style: chr11-36573497-G-T. GRCh37 (hg19) VCF-style: chr11-36595047-G-T.
Other names: c.193G>T (NM_000448.2); c.193G>T, p.Val65Phe (NM_001377277.1, NM_001377278.1, NM_001377279.1 and 1 more transcripts); short protein forms V65F.
Identifiers: ClinVar variation 1038262 (VCV001038262.7), dbSNP rs750032999, ClinGen allele CA5949921.